The following is an entry in ClinVar:

NM_177438.3(DICER1):c.1820A>G (p.Asp607Gly)

Gene: DICER1 (dicer 1, ribonuclease III; minus strand). Cytogenetic location: 14q32.13.
Variant type: single nucleotide variant.
Coding change: c.1820A>G on transcript NM_177438.3 (MANE Select); coding-DNA position 1820, A replaced by G.
Protein change: p.Asp607Gly; replaces aspartic acid 607 with glycine.
Molecular consequence: missense variant. On other transcripts: non-coding transcript variant (6).
Genome position (GRCh38, 1-based): chr14:95,115,754, T>C on the plus strand (A>G on the coding strand, the complement: DICER1 is on the minus strand). VCF-style: chr14-95115754-T-C. GRCh37 (hg19) VCF-style: chr14-95582091-T-C.
Other names: c.1415A>G, p.Asp472Gly (NM_001395689.1, NM_001395690.1, NM_001395696.1 and 3 more transcripts); c.1253A>G, p.Asp418Gly (NM_001395691.1); c.1820A>G, p.Asp607Gly (NM_001395692.1, NM_001395693.1, NM_001395694.1 and 12 more transcripts); c.137A>G, p.Asp46Gly (NM_001395697.1); c.1538A>G, p.Asp513Gly (NM_001395686.1); short protein forms D46G, D418G, D472G, D513G, D607G.
Identifiers: ClinVar variation 4746764 (VCV004746764.2).

ClinVar aggregate classification (germline): Uncertain significance. Review status: criteria provided, multiple submitters, no conflicts (2 of 4 stars). 2 submissions from 2 submitters: Uncertain significance (2). Last evaluated 2026-05-26.

Conditions:
DICER1-related tumor predisposition. Also called: DICER1-related pleuropulmonary blastoma cancer predisposition syndrome; DICER1 syndrome. Identifiers: Orphanet 284343, MedGen C3839822, MONDO:0100216.
Hereditary cancer-predisposing syndrome. Also called: Neoplastic Syndromes, Hereditary; Tumor predisposition; Hereditary Cancer Syndrome; Hereditary neoplastic syndrome. Identifiers: Orphanet 140162, MedGen C0027672, MeSH D009386, MONDO:0015356.

Submissions (2):

Ambry Genetics
Classification: Uncertain significance for Hereditary cancer-predisposing syndrome. Last evaluated: 2026-05-26. Review status: criteria provided, single submitter. Criteria: Ambry Variant Classification Scheme 2023. Collection method: clinical testing. Allele origin: germline.
Comment: The p.D607G variant (also known as c.1820A>G), located in coding exon 10 of the DICER1 gene, results from an A to G substitution at nucleotide position 1820. The aspartic acid at codon 607 is replaced by glycine, an amino acid with similar properties. This amino acid position is conserved. In addition, the in silico prediction for this alteration is inconclusive. Based on the available evidence, the clinical significance of this variant remains unclear.

Labcorp Genetics (formerly Invitae), Labcorp
Classification: Uncertain significance for DICER1-related tumor predisposition. Last evaluated: 2025-10-29. Review status: criteria provided, single submitter. Criteria: Invitae Variant Classification Sherloc (09022015). Collection method: clinical testing. Allele origin: germline.
Comment: This sequence change replaces aspartic acid, which is acidic and polar, with glycine, which is neutral and non-polar, at codon 607 of the DICER1 protein (p.Asp607Gly). This variant is not present in population databases (gnomAD no frequency). This variant has not been reported in the literature in individuals affected with DICER1-related conditions. Invitae Evidence Modeling of protein sequence and biophysical properties (such as structural, functional, and spatial information, amino acid conservation, physicochemical variation, residue mobility, and thermodynamic stability) indicates that this missense variant is not expected to disrupt DICER1 protein function with a negative predictive value of 95%. In summary, the available evidence is currently insufficient to determine the role of this variant in disease. Therefore, it has been classified as a Variant of Uncertain Significance.